The following is an entry in ClinVar:

ClinVar aggregate classification (germline): Benign/Likely benign. Review status: criteria provided, multiple submitters, no conflicts (2 of 4 stars). 2 submissions from 2 submitters: Benign (1); Likely benign (1). Last evaluated 2019-12-10.

Conditions:
Mitochondrial trifunctional protein deficiency. Identifiers: Orphanet 746, MedGen C1969443, MONDO:0012172.

Allele frequency attached by ClinVar (database versions not stated): ESP Exome Variant Server 0.00028; gnomAD exomes 0.00053 and 0.00157; gnomAD 0.00056 and 0.00070; TOPMed 0.00111; ExAC 0.00141; 1000 Genomes Project 30x 0.00203; 1000 Genomes Project 0.00240.
gnomAD v4.1: 674 of 1,209,528 alleles (0.056%); highest among the groups gnomAD compares: East Asian, 1.4%; 8 homozygotes.

Submissions (2):

GeneDx
Classification: Likely benign. Last evaluated: 2019-12-10. Review status: criteria provided, single submitter. Criteria: GeneDx Variant Classification Process June 2021. Collection method: clinical testing. Allele origin: germline. Affected: yes.

Illumina Laboratory Services, Illumina
Classification: Benign for Mitochondrial trifunctional protein deficiency 1. Last evaluated: 2018-01-12. Review status: criteria provided, single submitter. Criteria: ICSL Variant Classification Criteria 13 December 2019. Collection method: clinical testing. Allele origin: germline.
Comment: This variant was observed in the ICSL laboratory as part of a predisposition screen in an ostensibly healthy population. It had not been previously curated by ICSL or reported in the Human Gene Mutation Database (HGMD: prior to June 1st, 2018), and was therefore a candidate for classification through an automated scoring system. Utilizing variant allele frequency, disease prevalence and penetrance estimates, and inheritance mode, an automated score was calculated to assess if this variant is too frequent to cause the disease. Based on the score and internal cut-off values, a variant classified as benign is not then subjected to further curation. The score for this variant resulted in a classification of benign for this disease.

NM_000183.3(HADHB):c.*52A>G

Gene: HADHB (hydroxyacyl-CoA dehydrogenase trifunctional multienzyme complex subunit beta; plus strand). Cytogenetic location: 2p23.3.
Variant type: single nucleotide variant.
Coding change: c.*52A>G on transcript NM_000183.3 (MANE Select); 52 bases downstream of the stop codon, A replaced by G.
Molecular consequence: 3 prime UTR variant.
Genome position (GRCh38, 1-based): chr2:26,290,005, A>G. VCF-style: chr2-26290005-A-G. GRCh37 (hg19) VCF-style: chr2-26512873-A-G.
Other names: c.*52A>G (NM_001281512.2, NM_001281513.2).
Identifiers: ClinVar variation 335409 (VCV000335409.8), dbSNP rs183649494, ClinGen allele CA1560551.